The following is an entry in ClinVar:

ClinVar aggregate classification (germline): Uncertain significance. Review status: criteria provided, multiple submitters, no conflicts (2 of 4 stars). 2 submissions from 2 submitters: Uncertain significance (2). Last evaluated 2025-10-12.

Allele frequency attached by ClinVar (database versions not stated): gnomAD exomes 0.00001; ExAC 0.00003; TOPMed 0.00007; gnomAD 0.00003.
gnomAD v4.1: 16 of 1,613,918 alleles (0.00099%); highest among the groups gnomAD compares: Admixed American, 0.017%; no homozygotes.

Submissions (2):

Labcorp Genetics (formerly Invitae), Labcorp
Classification: Uncertain significance. Last evaluated: 2025-10-12. Review status: criteria provided, single submitter. Criteria: Invitae Variant Classification Sherloc (09022015). Collection method: clinical testing. Allele origin: germline.
Comment: This sequence change falls in intron 17 of the HPS5 gene. It does not directly change the encoded amino acid sequence of the HPS5 protein. It affects a nucleotide within the consensus splice site. This variant is present in population databases (rs750403659, gnomAD 0.03%). This variant has not been reported in the literature in individuals affected with HPS5-related conditions. ClinVar contains an entry for this variant (Variation ID: 2577204). Variants that disrupt the consensus splice site are a relatively common cause of aberrant splicing (PMID: 17576681, 9536098). Algorithms developed to predict the effect of sequence changes on RNA splicing suggest that this variant is not likely to affect RNA splicing. In summary, the available evidence is currently insufficient to determine the role of this variant in disease. Therefore, it has been classified as a Variant of Uncertain Significance.

Women's Health and Genetics/Laboratory Corporation of America, LabCorp
Classification: Uncertain significance. Last evaluated: 2025-01-27. Review status: criteria provided, single submitter. Criteria: LabCorp Variant Classification Summary - May 2015. Collection method: clinical testing. Allele origin: germline.

Literature cited by the submitters: PubMed 17576681 (cited by Labcorp Genetics (formerly Invitae), Labcorp); PubMed 9536098 (cited by Labcorp Genetics (formerly Invitae), Labcorp).

NM_181507.2(HPS5):c.2561+6T>C

Gene: HPS5 (HPS5 biogenesis of lysosomal organelles complex 2 subunit 2; minus strand). Cytogenetic location: 11p15.1.
Variant type: single nucleotide variant.
Coding change: c.2561+6T>C on transcript NM_181507.2 (MANE Select); 6 bases into the intron after coding-DNA position 2561, T replaced by C.
Molecular consequence: intron variant.
Genome position (GRCh38, 1-based): chr11:18,287,887, A>G on the plus strand (T>C on the coding strand, the complement: HPS5 is on the minus strand). VCF-style: chr11-18287887-A-G. GRCh37 (hg19) VCF-style: chr11-18309434-A-G.
Other names: c.2147+6T>C (NM_001440929.1, NM_001440928.1, NM_001440927.1); c.2219+6T>C (NM_181508.2, NM_001440921.1, NM_001440926.1 and 7 more transcripts); c.2450+6T>C (NM_001440915.1, NM_001440914.1, NM_001440913.1); c.1863-1177T>C (NM_001440931.1); c.2561+6T>C (NM_001440917.1, NM_001440906.1, NM_001440905.1 and 4 more transcripts); c.2486+6T>C (NM_001440907.1, NM_001440909.1, NM_001440908.1); c.2348+6T>C (NM_001440919.1); c.2375+6T>C (NM_001440918.1).
Identifiers: ClinVar variation 2577204 (VCV002577204.4), dbSNP rs750403659, ClinGen allele CA5909825.